The following is an entry in ClinVar:

NM_004360.5(CDH1):c.1253A>T (p.Asp418Val)

Gene: CDH1 (cadherin 1; plus strand). Cytogenetic location: 16q22.1.
Variant type: single nucleotide variant.
Coding change: c.1253A>T on transcript NM_004360.5 (MANE Select); coding-DNA position 1253, A replaced by T.
Protein change: p.Asp418Val; replaces aspartic acid 418 with valine.
Molecular consequence: missense variant. On other transcripts: 5 prime UTR variant (2), intron variant (1).
Genome position (GRCh38, 1-based): chr16:68,813,428, A>T. VCF-style: chr16-68813428-A-T. GRCh37 (hg19) VCF-style: chr16-68847331-A-T.
Other names: c.-363A>T (NM_001317185.2); c.-567A>T (NM_001317186.2); c.1137+1165A>T (NM_001317184.2); short protein forms D418V.
Identifiers: ClinVar variation 1716650 (VCV001716650.6), dbSNP rs1379626654, ClinGen allele CA396461589.

ClinVar aggregate classification (germline): Uncertain significance (1 of 4 stars; one submission).

Conditions:
Hereditary diffuse gastric adenocarcinoma (HDGC). Also called: DIFFUSE GASTRIC AND LOBULAR BREAST CANCER SYNDROME. Identifiers: Orphanet 26106, MedGen C1708349, MONDO:0007648, OMIM 137215.

Submission:

Labcorp Genetics (formerly Invitae), Labcorp
Classification: Uncertain significance for Hereditary diffuse gastric adenocarcinoma. Last evaluated: 2022-08-18. Review status: criteria provided, single submitter. Criteria: Invitae Variant Classification Sherloc (09022015). Collection method: clinical testing. Allele origin: germline.
Comment: In summary, the available evidence is currently insufficient to determine the role of this variant in disease. Therefore, it has been classified as a Variant of Uncertain Significance. This sequence change replaces aspartic acid, which is acidic and polar, with valine, which is neutral and non-polar, at codon 418 of the CDH1 protein (p.Asp418Val). This variant is not present in population databases (gnomAD no frequency). This variant has not been reported in the literature in individuals affected with CDH1-related conditions. Algorithms developed to predict the effect of missense changes on protein structure and function (SIFT, PolyPhen-2, Align-GVGD) all suggest that this variant is likely to be disruptive.